The following is an entry in ClinVar:

ClinVar aggregate classification (germline): Likely pathogenic (1 of 4 stars; one submission).

Conditions:
Retinitis pigmentosa 39 (RP39). Identifiers: Orphanet 791, MedGen C3151138, MONDO:0013436, OMIM 613809.

Submission:

Ocular Genomics Institute, Massachusetts Eye and Ear
Classification: Likely pathogenic for Retinitis pigmentosa 39. Last evaluated: 2021-04-08. Review status: criteria provided, single submitter. Criteria: ACMG Guidelines, 2015. Collection method: research. Allele origin: germline. Affected: yes.
Comment: Through a review of available evidence we were able to apply the following criteria: PM2. Based on this evidence we have classified this variant as Likely Pathogenic.

NM_206933.4(USH2A):c.12848T>C (p.Ile4283Thr)

Gene: USH2A (usherin; minus strand). Cytogenetic location: 1q41.
Variant type: single nucleotide variant.
Coding change: c.12848T>C on transcript NM_206933.4 (MANE Select); coding-DNA position 12848, T replaced by C.
Protein change: p.Ile4283Thr; replaces isoleucine 4283 with threonine.
Molecular consequence: missense variant.
Genome position (GRCh38, 1-based): chr1:215,675,063, A>G on the plus strand (T>C on the coding strand, the complement: USH2A is on the minus strand). VCF-style: chr1-215675063-A-G. GRCh37 (hg19) VCF-style: chr1-215848405-A-G.
Other names: short protein forms I4283T.
Identifiers: ClinVar variation 1065712 (VCV001065712.1), dbSNP rs754131049, ClinGen allele CA344848747.